The following is an entry in ClinVar:

ClinVar aggregate classification (germline): Pathogenic (1 of 4 stars; one submission).

Conditions:
Familial cancer of breast. Also called: hereditary breast carcinoma; BREAST CANCER, FAMILIAL; Hereditary breast cancer. Identifiers: Orphanet 227535, MedGen C0346153, MONDO:0016419, OMIM 114480. Disease mechanism: loss of function.

Submission:

Myriad Genetics, Inc.
Classification: Pathogenic for Familial cancer of breast. Last evaluated: 2025-09-03. Review status: criteria provided, single submitter. Criteria: Myriad Autosomal Dominant, Autosomal Recessive and X-Linked Classification Criteria (2023). Collection method: clinical testing. Allele origin: unknown.
Comment: This variant is considered pathogenic. This variant creates a frameshift predicted to result in premature protein truncation.

NM_000051.4(ATM):c.1673del (p.Gly558fs)

Gene: ATM (ATM serine/threonine kinase; plus strand). Cytogenetic location: 11q22.3.
Variant type: Deletion.
Coding change: c.1673del on transcript NM_000051.4 (MANE Select); coding-DNA position 1673, one base deleted (G; older notation c.1673delG).
Protein change: p.Gly558fs; shifts the reading frame from glycine 558.
Molecular consequence: frameshift variant.
Genome position (GRCh38, 1-based): chr11:108,251,902, G deleted; the last of 3 consecutive G bases (chr11:108,251,900-108,251,902); deleting any one gives the same sequence. VCF-style (leftmost placement, unchanged base first): chr11-108251899-TG-T. GRCh37 (hg19) VCF-style: chr11-108122626-TG-T.
Other names: c.1673del, p.Gly558fs (NM_001351834.2); short protein forms G558fs.
Identifiers: ClinVar variation 4294262 (VCV004294262.1).